The following is an entry in ClinVar:

ClinVar aggregate classification (germline): Likely benign (0 of 4 stars; one submission).

Conditions:
VPS13B-related disorder. Also called: VPS13B-related condition.

gnomAD v4.1: 5 of 1,613,406 alleles (0.00031%); highest among the groups gnomAD compares: African/African-American, 0.0067%; no homozygotes.

Submission:

PreventionGenetics, part of Exact Sciences
Classification: Likely benign for VPS13B-related condition. Last evaluated: 2022-05-31. Review status: no assertion criteria provided. Collection method: clinical testing. Allele origin: germline.
Comment: This variant is classified as likely benign based on ACMG/AMP sequence variant interpretation guidelines (Richards et al. 2015 PMID: 25741868, with internal and published modifications).

NM_152564.5(VPS13B):c.7941+4T>C

Gene: VPS13B (vacuolar protein sorting 13 homolog B; plus strand). Cytogenetic location: 8q22.2.
Variant type: single nucleotide variant.
Coding change: c.7941+4T>C on transcript NM_152564.5 (MANE Select); 4 bases into the intron after coding-DNA position 7941, T replaced by C.
Molecular consequence: intron variant.
Genome position (GRCh38, 1-based): chr8:99,784,480, T>C. VCF-style: chr8-99784480-T-C. GRCh37 (hg19) VCF-style: chr8-100796708-T-C.
Other names: c.8016+4T>C (NM_017890.5).
Identifiers: ClinVar variation 3357861 (VCV003357861.1).